The following is an entry in ClinVar:

NM_000398.7(CYB5R3):c.194C>G (p.Pro65Arg)

Gene: CYB5R3 (cytochrome b5 reductase 3; minus strand). Cytogenetic location: 22q13.2.
Variant type: single nucleotide variant.
Coding change: c.194C>G on transcript NM_000398.7 (MANE Select); coding-DNA position 194, C replaced by G.
Protein change: p.Pro65Arg; replaces proline 65 with arginine.
Molecular consequence: missense variant.
Genome position (GRCh38, 1-based): chr22:42,631,410, G>C on the plus strand (C>G on the coding strand, the complement: CYB5R3 is on the minus strand). VCF-style: chr22-42631410-G-C. GRCh37 (hg19) VCF-style: chr22-43027416-G-C.
Other names: c.194C>G, p.Pro65Arg (NM_001031678.1); c.125C>G, p.Pro42Arg (NM_001129819.2, NM_001171661.1, NM_007326.4); c.293C>G, p.Pro98Arg (NM_001171660.2); short protein forms P98R, P65R, P42R.
Identifiers: ClinVar variation 2230028 (VCV002230028.5), dbSNP rs149268873, ClinGen allele CA411800846.
Genomic context (GRCh38, chr22:42,631,410, plus strand): 5'-GAATGGGCCCAGCAGGGGCGTGACTCACCGACAGGGAGGCCCAGGATGTGCTGGGGTGAC[G>C]GCAGGGCAAAGCGGAAGCGCCGGGTGTCATGGCTGATGATCTGGAGAGAGGCCCAAAGCT-3'
Protein context (NP_000389.1, residues 55-75): HDTRRFRFAL[Pro65Arg]SPQHILGLPV

ClinVar aggregate classification (germline): Uncertain significance. Review status: criteria provided, multiple submitters, no conflicts (2 of 4 stars). 2 submissions from 2 submitters: Uncertain significance (2). Last evaluated 2022-12-09.

Conditions:
Deficiency of cytochrome-b5 reductase. Also called: METHEMOGLOBINEMIA, CONGENITAL, AUTOSOMAL RECESSIVE; NADH-DEPENDENT METHEMOGLOBIN REDUCTASE DEFICIENCY. Identifiers: Orphanet 621, MedGen C0268193, MONDO:0009606, OMIM 250800.
Inborn genetic diseases. Identifiers: MedGen C0950123, MeSH D030342.

Submissions (2):

Revvity Omics, Revvity
Classification: Uncertain significance for Deficiency of cytochrome-b5 reductase. Last evaluated: 2022-12-09. Review status: criteria provided, single submitter. Criteria: ACMG Guidelines, 2015. Collection method: clinical testing. Allele origin: germline.

Ambry Genetics
Classification: Uncertain significance for Inborn genetic diseases. Last evaluated: 2021-04-07. Review status: criteria provided, single submitter. Criteria: Ambry Variant Classification Scheme 2023. Collection method: clinical testing. Allele origin: germline.
Comment: The c.194C>G (p.P65R) alteration is located in exon 3 (coding exon 3) of the CYB5R3 gene. This alteration results from a C to G substitution at nucleotide position 194, causing the proline (P) at amino acid position 65 to be replaced by an arginine (R). The p.P65R alteration is predicted to be tolerated by in silico analysis. Based on insufficient or conflicting evidence, the clinical significance of this alteration remains unclear.